The following is an entry in ClinVar:

ClinVar aggregate classification (germline): Likely benign. Review status: criteria provided, multiple submitters, no conflicts (2 of 4 stars). 2 submissions from 2 submitters: Likely benign (2). Last evaluated 2018-06-19.

Allele frequency attached by ClinVar (database versions not stated): gnomAD exomes 0.00035 and 0.00095; ExAC 0.00104; ESP Exome Variant Server 0.00315; gnomAD 0.00364 and 0.00379; 1000 Genomes Project 0.00379; 1000 Genomes Project 30x 0.00406; TOPMed 0.00421.
gnomAD v4.1: 1,105 of 1,607,812 alleles (0.069%); highest among the groups gnomAD compares: African/African-American, 1.2%; 3 homozygotes.

Submissions (2):

GeneDx
Classification: Likely benign. Last evaluated: 2018-06-19. Review status: criteria provided, single submitter. Criteria: GeneDx Variant Classification (06012015). Collection method: clinical testing. Allele origin: germline. Affected: yes.
Comment: This variant is considered likely benign or benign based on one or more of the following criteria: it is a conservative change, it occurs at a poorly conserved position in the protein, it is predicted to be benign by multiple in silico algorithms, and/or has population frequency not consistent with disease.

Breakthrough Genomics
Classification: Likely benign. Review status: criteria provided, single submitter. Criteria: ACMG Guidelines, 2015. Collection method: not provided. Allele origin: germline. Inheritance: Autosomal dominant inheritance. Affected: yes.

NM_001040142.2(SCN2A):c.3850-40T>C

Gene: SCN2A (sodium voltage-gated channel alpha subunit 2; plus strand). Cytogenetic location: 2q24.3.
Variant type: single nucleotide variant.
Coding change: c.3850-40T>C on transcript NM_001040142.2 (MANE Select); 40 bases into the intron before coding-DNA position 3850, T replaced by C.
Molecular consequence: intron variant.
Genome position (GRCh38, 1-based): chr2:165,373,185, T>C. VCF-style: chr2-165373185-T-C. GRCh37 (hg19) VCF-style: chr2-166229695-T-C.
Other names: c.3850-40T>C (NM_001040143.2, NM_001371246.1, NM_001371247.1 and 1 more transcripts).
Identifiers: ClinVar variation 675623 (VCV000675623.2), dbSNP rs150568699, ClinGen allele CA1940191.
Genomic context (GRCh38, chr2:165,373,185, plus strand): 5'-TGAAAGTTCGAGAATTACTGATTCATTGCATAGAGCAAGGCTGAACTGTGTAGACATTTT[T>C]ATATGTAAATAAGAAAATTGTGTTGCTTTTTCTGTATAGGTCTCACTGGTTAGCTTAACT-3'